The following is an entry in ClinVar:

NM_001854.4(COL11A1):c.380T>C (p.Ile127Thr)

Gene: COL11A1 (collagen type XI alpha 1 chain; minus strand). Cytogenetic location: 1p21.1.
Variant type: single nucleotide variant.
Coding change: c.380T>C on transcript NM_001854.4 (MANE Select); coding-DNA position 380, T replaced by C.
Protein change: p.Ile127Thr; replaces isoleucine 127 with threonine.
Molecular consequence: missense variant. On other transcripts: non-coding transcript variant (1).
Genome position (GRCh38, 1-based): chr1:103,078,766, A>G on the plus strand (T>C on the coding strand, the complement: COL11A1 is on the minus strand). VCF-style: chr1-103078766-A-G. GRCh37 (hg19) VCF-style: chr1-103544322-A-G.
Other names: c.380T>C, p.Ile127Thr (NM_001190709.2, NM_080629.3, NM_080630.4); short protein forms I127T.
Identifiers: ClinVar variation 3393547 (VCV003393547.2).

ClinVar aggregate classification (germline): Uncertain significance (1 of 4 stars; one submission).

Submission:

GeneDx
Classification: Uncertain significance. Last evaluated: 2025-01-03. Review status: criteria provided, single submitter. Criteria: GeneDx Variant Classification Process June 2021. Collection method: clinical testing. Allele origin: germline. Affected: yes.
Comment: Not observed at significant frequency in large population cohorts (gnomAD); In silico analysis supports that this missense variant has a deleterious effect on protein structure/function; Has not been previously published as pathogenic or benign to our knowledge; Not located in the triple helical region, where the majority of pathogenic missense variants occur (HGMD; PMID: 25240749); This variant is associated with the following publications: (PMID: 25240749)